The following is an entry in ClinVar:

NM_000302.4(PLOD1):c.1888G>A (p.Gly630Ser)

Gene: PLOD1 (procollagen-lysine,2-oxoglutarate 5-dioxygenase 1; plus strand). Cytogenetic location: 1p36.22.
Variant type: single nucleotide variant.
Coding change: c.1888G>A on transcript NM_000302.4 (MANE Select); coding-DNA position 1888, G replaced by A.
Protein change: p.Gly630Ser; replaces glycine 630 with serine.
Molecular consequence: missense variant.
Genome position (GRCh38, 1-based): chr1:11,970,802, G>A. VCF-style: chr1-11970802-G-A. GRCh37 (hg19) VCF-style: chr1-12030859-G-A.
Other names: p.Gly630Ser; c.2029G>A, p.Gly677Ser (NM_001316320.2); short protein forms G630S, G677S.
Identifiers: ClinVar variation 1002672 (VCV001002672.11), dbSNP rs764750668, ClinGen allele CA598595.
Genomic context (GRCh38, chr1:11,970,802, plus strand): 5'-CGGGAGTGGCACAAATTCCTGCTGGAGTACATTGCGCCCATGACGGAGAAGCTCTACCCC[G>A]GCTACTACACCAGGGTGGGCAAGCCTGGGGCATAGCCAGGATGCGGGGACAGTTGGGTGG-3'
Protein context (NP_000293.2, residues 620-640): IAPMTEKLYP[Gly630Ser]YYTRAQFDLA

ClinVar aggregate classification (germline): Uncertain significance. Review status: criteria provided, multiple submitters, no conflicts (2 of 4 stars). 4 submissions from 4 submitters: Uncertain significance (4). Last evaluated 2024-04-12.

Conditions:
Familial thoracic aortic aneurysm and aortic dissection (TAAD). Also called: Thoracic aortic aneurysms and dissections. Identifiers: Orphanet 91387, MedGen C4707243, MONDO:0019625.
Ehlers-Danlos syndrome, kyphoscoliotic type 1 (EDSKSCL1). Also called: EHLERS-DANLOS SYNDROME, OCULAR-SCOLIOTIC TYPE; Ehlers-Danlos syndrome, hydroxylysine-deficient; EHLERS-DANLOS SYNDROME, TYPE VIA; PLOD1-Related Kyphoscoliotic Ehlers-Danlos Syndrome. Identifiers: Orphanet 1900, MedGen C0268342, MONDO:0016002, OMIM 225400. Disease mechanism: loss of function.

Allele frequency attached by ClinVar (database versions not stated): gnomAD exomes below 0.00001 and 0.00002; TOPMed below 0.00001; gnomAD 0.00001; ExAC 0.00003.
gnomAD v4.1: 6 of 1,608,124 alleles (0.00037%); highest among the groups gnomAD compares: South Asian, 0.0022%; no homozygotes.

Submissions (4):

Mayo Clinic Laboratories, Mayo Clinic
Classification: Uncertain significance. Last evaluated: 2024-04-12. Review status: criteria provided, single submitter. Criteria: ACMG Guidelines, 2015. Collection method: clinical testing. Allele origin: germline. Observed: 1 variant allele.
Comment: PM2

Ambry Genetics
Classification: Uncertain significance for Familial thoracic aortic aneurysm and aortic dissection. Last evaluated: 2023-06-19. Review status: criteria provided, single submitter. Criteria: Ambry Variant Classification Scheme 2023. Collection method: clinical testing. Allele origin: germline.
Comment: The p.G630S variant (also known as c.1888G>A), located in coding exon 17 of the PLOD1 gene, results from a G to A substitution at nucleotide position 1888. The glycine at codon 630 is replaced by serine, an amino acid with similar properties. This amino acid position is highly conserved in available vertebrate species. In addition, this alteration is predicted to be deleterious by in silico analysis. Since supporting evidence is limited at this time, the clinical significance of this alteration remains unclear.

Labcorp Genetics (formerly Invitae), Labcorp
Classification: Uncertain significance for Ehlers-Danlos syndrome, kyphoscoliotic type 1. Last evaluated: 2022-04-15. Review status: criteria provided, single submitter. Criteria: Invitae Variant Classification Sherloc (09022015). Collection method: clinical testing. Allele origin: germline.
Comment: This sequence change replaces glycine, which is neutral and non-polar, with serine, which is neutral and polar, at codon 630 of the PLOD1 protein (p.Gly630Ser). This variant is present in population databases (rs764750668, gnomAD 0.006%). This variant has not been reported in the literature in individuals affected with PLOD1-related conditions. ClinVar contains an entry for this variant (Variation ID: 1002672). Algorithms developed to predict the effect of missense changes on protein structure and function are either unavailable or do not agree on the potential impact of this missense change (SIFT: "Deleterious"; PolyPhen-2: "Possibly Damaging"; Align-GVGD: "Class C0"). In summary, the available evidence is currently insufficient to determine the role of this variant in disease. Therefore, it has been classified as a Variant of Uncertain Significance.

GeneDx
Classification: Uncertain significance. Last evaluated: 2020-02-05. Review status: criteria provided, single submitter. Criteria: GeneDx Variant Classification Process June 2021. Collection method: clinical testing. Allele origin: germline. Affected: yes.
Comment: Has not been previously published as pathogenic or benign to our knowledge; Not observed at a significant frequency in large population cohorts (Lek et al., 2016); In silico analysis supports that this missense variant has a deleterious effect on protein structure/function